The following is an entry in ClinVar:

NM_015102.5(NPHP4):c.3631G>A (p.Val1211Ile)

Gene: NPHP4 (nephrocystin 4; minus strand). Cytogenetic location: 1p36.31.
Variant type: single nucleotide variant.
Coding change: c.3631G>A on transcript NM_015102.5 (MANE Select); coding-DNA position 3631, G replaced by A.
Protein change: p.Val1211Ile; replaces valine 1211 with isoleucine.
Molecular consequence: missense variant. On other transcripts: non-coding transcript variant (1).
Genome position (GRCh38, 1-based): chr1:5,866,386, C>T on the plus strand (G>A on the coding strand, the complement: NPHP4 is on the minus strand). VCF-style: chr1-5866386-C-T. GRCh37 (hg19) VCF-style: chr1-5926446-C-T.
Other names: c.2095G>A, p.Val699Ile (NM_001291594.2); c.2092G>A, p.Val698Ile (NM_001291593.2); short protein forms V699I, V1211I, V698I.
Identifiers: ClinVar variation 2072298 (VCV002072298.4), dbSNP rs1641227820, ClinGen allele CA338050938.

ClinVar aggregate classification (germline): Uncertain significance (1 of 4 stars; one submission).

Conditions:
Nephronophthisis. Also called: Juvenile Nephronophthisis. Identifiers: Orphanet 655, MedGen C0687120, MONDO:0019005, HP:0000090.

Allele frequency attached by ClinVar (database versions not stated): TOPMed below 0.00001.
gnomAD v4.1: 2 of 1,606,984 alleles (0.00012%); highest among the groups gnomAD compares: Admixed American, 0.0017%; no homozygotes.

Submission:

Labcorp Genetics (formerly Invitae), Labcorp
Classification: Uncertain significance for Nephronophthisis. Last evaluated: 2022-05-12. Review status: criteria provided, single submitter. Criteria: Invitae Variant Classification Sherloc (09022015). Collection method: clinical testing. Allele origin: germline.
Comment: In summary, the available evidence is currently insufficient to determine the role of this variant in disease. Therefore, it has been classified as a Variant of Uncertain Significance. Algorithms developed to predict the effect of missense changes on protein structure and function are either unavailable or do not agree on the potential impact of this missense change (SIFT: "Tolerated"; PolyPhen-2: "Possibly Damaging"; Align-GVGD: "Class C0"). This variant has not been reported in the literature in individuals affected with NPHP4-related conditions. This variant is not present in population databases (gnomAD no frequency). This sequence change replaces valine, which is neutral and non-polar, with isoleucine, which is neutral and non-polar, at codon 1211 of the NPHP4 protein (p.Val1211Ile).